The following is an entry in ClinVar:

ClinVar aggregate classification (germline): Uncertain significance. Review status: criteria provided, multiple submitters, no conflicts (2 of 4 stars). 4 submissions from 4 submitters: Uncertain significance (4). Last evaluated 2025-12-09.

Conditions:
Dyskeratosis congenita, autosomal recessive 6 (DKCB6). Identifiers: MedGen C4225356, MONDO:0014600, OMIM 616353.
Pulmonary fibrosis and/or bone marrow failure, Telomere-related, 4. Also called: PULMONARY FIBROSIS AND/OR BONE MARROW FAILURE SYNDROME, TELOMERE-RELATED, 4. Identifiers: Orphanet 2032, MedGen C4225347, MONDO:0014612, OMIM 616371.
Inborn genetic diseases. Identifiers: MedGen C0950123, MeSH D030342.

Allele frequency attached by ClinVar (database versions not stated): gnomAD exomes 0.00002; TOPMed 0.00002; ExAC 0.00003; ESP Exome Variant Server 0.00017.
gnomAD v4.1: 47 of 1,612,834 alleles (0.0029%); highest among the groups gnomAD compares: Non-Finnish European, 0.0038%; no homozygotes.

Submissions (4):

Labcorp Genetics (formerly Invitae), Labcorp
Classification: Uncertain significance for Dyskeratosis congenita, autosomal recessive 6; Pulmonary fibrosis and/or bone marrow failure, Telomere-related, 4. Last evaluated: 2025-12-09. Review status: criteria provided, single submitter. Criteria: Invitae Variant Classification Sherloc (09022015). Collection method: clinical testing. Allele origin: germline.
Comment: This sequence change replaces alanine, which is neutral and non-polar, with valine, which is neutral and non-polar, at codon 344 of the PARN protein (p.Ala344Val). This variant is present in population databases (rs374213957, gnomAD 0.004%). This variant has not been reported in the literature in individuals affected with PARN-related conditions. ClinVar contains an entry for this variant (Variation ID: 945250). Invitae Evidence Modeling of protein sequence and biophysical properties (such as structural, functional, and spatial information, amino acid conservation, physicochemical variation, residue mobility, and thermodynamic stability) indicates that this missense variant is not expected to disrupt PARN protein function with a negative predictive value of 80%. In summary, the available evidence is currently insufficient to determine the role of this variant in disease. Therefore, it has been classified as a Variant of Uncertain Significance.

ARUP Laboratories, Molecular Genetics and Genomics, ARUP Laboratories
Classification: Uncertain significance. Last evaluated: 2024-08-16. Review status: criteria provided, single submitter. Criteria: ARUP Molecular Germline Variant Investigation Process 2024. Collection method: clinical testing. Allele origin: germline.
Comment: The PARN c.1031C>T; p.Ala344Val variant (rs374213957), to our knowledge, is not reported in the medical literature but is reported in ClinVar (Variation ID: 945250). This variant is only observed on five alleles in the Genome Aggregation Database (v2.1.1), indicating it is not a common polymorphism. Computational analyses are uncertain whether this variant is neutral or deleterious (REVEL: 0.183). Due to limited information, the clinical significance of this variant is uncertain at this time.

Blueprint Genetics
Classification: Uncertain significance. Last evaluated: 2023-08-31. Review status: criteria provided, single submitter. Criteria: ACMG Guidelines, 2015. Collection method: clinical testing. Allele origin: germline.

Ambry Genetics
Classification: Uncertain significance for Inborn genetic diseases. Last evaluated: 2022-04-28. Review status: criteria provided, single submitter. Criteria: Ambry Variant Classification Scheme 2023. Collection method: clinical testing. Allele origin: germline.

NM_002582.4(PARN):c.1031C>T (p.Ala344Val)

Gene: PARN (poly(A)-specific ribonuclease; minus strand). Cytogenetic location: 16p13.12.
Variant type: single nucleotide variant.
Coding change: c.1031C>T on transcript NM_002582.4 (MANE Select); coding-DNA position 1031, C replaced by T.
Protein change: p.Ala344Val; replaces alanine 344 with valine.
Molecular consequence: missense variant.
Genome position (GRCh38, 1-based): chr16:14,584,397, G>A on the plus strand (C>T on the coding strand, the complement: PARN is on the minus strand). VCF-style: chr16-14584397-G-A. GRCh37 (hg19) VCF-style: chr16-14678254-G-A.
Other names: c.848C>T, p.Ala283Val (NM_001134477.3); c.893C>T, p.Ala298Val (NM_001242992.2); short protein forms A298V, A344V, A283V.
Identifiers: ClinVar variation 945250 (VCV000945250.13), dbSNP rs374213957, ClinGen allele CA7912185.
Genomic context (GRCh38, chr16:14,584,397, plus strand): 5'-ATATTCTTACCAACTTTAGGAGGGTTGAAAGGTGTCTCTTTTAACCGCTTTTCCAATTCC[G>A]CAAGGGATGTGTTGTTAATGATATCCTGCAAACCACGAAGCAAAGAATTATGAGATTTCA-3'
Protein context (NP_002573.1, residues 334-354): FKDIINNTSL[Ala344Val]ELEKRLKETP